The following is an entry in ClinVar:

NM_001350162.2(TEX15):c.4188A>G (p.Thr1396=)

Gene: TEX15 (testis expressed 15, meiosis and synapsis associated; minus strand). Cytogenetic location: 8p12.
Variant type: single nucleotide variant.
Coding change: c.4188A>G on transcript NM_001350162.2 (MANE Select); coding-DNA position 4188, A replaced by G.
Protein change: p.Thr1396=; no amino-acid change (threonine 1396 retained).
Molecular consequence: synonymous variant.
Genome position (GRCh38, 1-based): chr8:30,845,979, T>C on the plus strand (A>G on the coding strand, the complement: TEX15 is on the minus strand). VCF-style: chr8-30845979-T-C. GRCh37 (hg19) VCF-style: chr8-30703495-T-C.
Other names: c.3039A>G, p.Thr1013= (NM_031271.3).
Identifiers: ClinVar variation 3034144 (VCV003034144.2), dbSNP rs201665635, ClinGen allele CA4703095.

ClinVar aggregate classification (germline): Likely benign (0 of 4 stars; one submission).

Conditions:
TEX15-related disorder. Also called: TEX15-related condition.

Allele frequency attached by ClinVar (database versions not stated): gnomAD 0.00004; ESP Exome Variant Server 0.00008.
gnomAD v4.1: 75 of 1,613,026 alleles (0.0046%); highest among the groups gnomAD compares: Non-Finnish European, 0.0056%; no homozygotes.

Submission:

PreventionGenetics, part of Exact Sciences
Classification: Likely benign for TEX15-related condition. Last evaluated: 2019-06-11. Review status: no assertion criteria provided. Collection method: clinical testing. Allele origin: germline.
Comment: This variant is classified as likely benign based on ACMG/AMP sequence variant interpretation guidelines (Richards et al. 2015 PMID: 25741868, with internal and published modifications).